The following is an entry in ClinVar:

ClinVar aggregate classification (germline): Uncertain significance. Review status: criteria provided, multiple submitters, no conflicts (2 of 4 stars). 3 submissions from 3 submitters: Uncertain significance (3). Last evaluated 2024-12-08.

Conditions:
Tietz syndrome (TADS). Also called: TIETZ ALBINISM-DEAFNESS SYNDROME; ALBINISM-DEAFNESS OF TIETZ; HYPOPIGMENTATION/DEAFNESS OF TIETZ. Identifiers: Orphanet 42665, MedGen C0391816, MONDO:0007077, OMIM 103500.
Waardenburg syndrome type 2A (WS2A). Also called: WAARDENBURG SYNDROME WITHOUT DYSTOPIA CANTHORUM. Identifiers: Orphanet 3440, MedGen C1860339, MONDO:0008671, OMIM 193510.
Melanoma, cutaneous malignant, susceptibility to, 8. Also called: Cutaneous malignant melanoma 8; MELANOMA AND RENAL CELL CARCINOMA, SUSCEPTIBILITY TO. Identifiers: Orphanet 293822, MedGen C3152204, MONDO:0013759, OMIM 614456.
Hereditary cancer-predisposing syndrome. Also called: Hereditary Cancer Syndrome; Neoplastic Syndromes, Hereditary; Tumor predisposition; Hereditary neoplastic syndrome. Identifiers: Orphanet 140162, MedGen C0027672, MeSH D009386, MONDO:0015356.

Allele frequency attached by ClinVar (database versions not stated): gnomAD exomes below 0.00001; TOPMed 0.00001.
gnomAD v4.1: 1 of 1,613,928 alleles (0.000062%); highest among the groups gnomAD compares: Non-Finnish European, 0.000085%; no homozygotes.

Submissions (3):

Labcorp Genetics (formerly Invitae), Labcorp
Classification: Uncertain significance for Melanoma, cutaneous malignant, susceptibility to, 8; Waardenburg syndrome type 2A; Tietz syndrome. Last evaluated: 2024-12-08. Review status: criteria provided, single submitter. Criteria: Invitae Variant Classification Sherloc (09022015). Collection method: clinical testing. Allele origin: germline.
Comment: This sequence change replaces glutamic acid, which is acidic and polar, with lysine, which is basic and polar, at codon 413 of the MITF protein (p.Glu413Lys). This variant is not present in population databases (gnomAD no frequency). This variant has not been reported in the literature in individuals affected with MITF-related conditions. ClinVar contains an entry for this variant (Variation ID: 1977704). Invitae Evidence Modeling of protein sequence and biophysical properties (such as structural, functional, and spatial information, amino acid conservation, physicochemical variation, residue mobility, and thermodynamic stability) indicates that this missense variant is expected to disrupt MITF protein function with a positive predictive value of 80%. In summary, the available evidence is currently insufficient to determine the role of this variant in disease. Therefore, it has been classified as a Variant of Uncertain Significance.

Ambry Genetics
Classification: Uncertain significance for Hereditary cancer-predisposing syndrome. Last evaluated: 2024-12-01. Review status: criteria provided, single submitter. Criteria: Ambry Variant Classification Scheme 2023. Collection method: clinical testing. Allele origin: germline.
Comment: The p.E413K variant (also known as c.1237G>A), located in coding exon 9 of the MITF gene, results from a G to A substitution at nucleotide position 1237. The glutamic acid at codon 413 is replaced by lysine, an amino acid with similar properties. This amino acid position is conserved. In addition, the in silico prediction for this alteration is inconclusive. Based on the available evidence, the clinical significance of this variant remains unclear.

GeneDx
Classification: Uncertain significance. Last evaluated: 2024-10-08. Review status: criteria provided, single submitter. Criteria: GeneDx Variant Classification Process June 2021. Collection method: clinical testing. Allele origin: germline. Affected: yes.
Comment: Not observed at significant frequency in large population cohorts (gnomAD); In silico analysis supports that this missense variant has a deleterious effect on protein structure/function; Has not been previously published as pathogenic or benign to our knowledge

NM_001354604.2(MITF):c.1558G>A (p.Glu520Lys)

Gene: MITF (melanocyte inducing transcription factor; plus strand). Cytogenetic location: 3p13.
Variant type: single nucleotide variant.
Coding change: c.1558G>A on transcript NM_001354604.2 (MANE Select); coding-DNA position 1558, G replaced by A.
Protein change: p.Glu520Lys; replaces glutamic acid 520 with lysine.
Molecular consequence: missense variant.
Genome position (GRCh38, 1-based): chr3:69,965,225, G>A. VCF-style: chr3-69965225-G-A. GRCh37 (hg19) VCF-style: chr3-70014376-G-A.
Other names: c.1540G>A, p.Glu514Lys (NM_198159.3); c.1492G>A, p.Glu498Lys (NM_198177.3); c.1051G>A, p.Glu351Lys (NM_198178.3); c.1237G>A, p.Glu413Lys (NM_000248.4); c.1384G>A, p.Glu462Lys (NM_001184967.2, NM_001354608.2); c.1555G>A, p.Glu519Lys (NM_001354605.2); c.1537G>A, p.Glu513Lys (NM_001354606.2, NM_006722.3); c.1489G>A, p.Glu497Lys (NM_001354607.2); and 1 more; short protein forms E497K, E498K, E351K, E407K, E413K, E462K, E513K, E514K.
Identifiers: ClinVar variation 1977704 (VCV001977704.7), dbSNP rs1193602968, ClinGen allele CA353560091.